The following is an entry in ClinVar:

ClinVar aggregate classification (germline): Uncertain significance. Review status: criteria provided, multiple submitters, no conflicts (2 of 4 stars). 2 submissions from 2 submitters: Uncertain significance (2). Last evaluated 2025-10-27.

Conditions:
POLD1-related polyposis and colorectal cancer syndrome (CRCS10). Also called: Colorectal cancer 10; COLORECTAL CANCER, SUSCEPTIBILITY TO, ON CHROMOSOME 19q; Colorectal cancer, susceptibility to, 10. Identifiers: Orphanet 220460, MedGen C2675481, MONDO:0012953, OMIM 612591.
Hereditary cancer-predisposing syndrome. Also called: Tumor predisposition; Hereditary Cancer Syndrome; Hereditary neoplastic syndrome; Neoplastic Syndromes, Hereditary. Identifiers: Orphanet 140162, MedGen C0027672, MeSH D009386, MONDO:0015356.

Submissions (2):

Labcorp Genetics (formerly Invitae), Labcorp
Classification: Uncertain significance for POLD1-related polyposis and colorectal cancer syndrome. Last evaluated: 2025-10-27. Review status: criteria provided, single submitter. Criteria: Invitae Variant Classification Sherloc (09022015). Collection method: clinical testing. Allele origin: germline.
Comment: This sequence change replaces proline, which is neutral and non-polar, with alanine, which is neutral and non-polar, at codon 1077 of the POLD1 protein (p.Pro1077Ala). This variant is not present in population databases (gnomAD no frequency). This variant has not been reported in the literature in individuals affected with POLD1-related conditions. ClinVar contains an entry for this variant (Variation ID: 967873). Invitae Evidence Modeling of protein sequence and biophysical properties (such as structural, functional, and spatial information, amino acid conservation, physicochemical variation, residue mobility, and thermodynamic stability) indicates that this missense variant is not expected to disrupt POLD1 protein function with a negative predictive value of 80%. In summary, the available evidence is currently insufficient to determine the role of this variant in disease. Therefore, it has been classified as a Variant of Uncertain Significance.

Ambry Genetics
Classification: Uncertain significance for Hereditary cancer-predisposing syndrome. Last evaluated: 2025-09-20. Review status: criteria provided, single submitter. Criteria: Ambry Variant Classification Scheme 2023. Collection method: clinical testing. Allele origin: germline.
Comment: The p.P1077A variant (also known as c.3229C>G), located in coding exon 26 of the POLD1 gene, results from a C to G substitution at nucleotide position 3229. The proline at codon 1077 is replaced by alanine, an amino acid with highly similar properties. This amino acid position is conserved. In addition, this alteration is predicted to be tolerated by in silico analysis. Since supporting evidence is limited at this time, the clinical significance of this alteration remains unclear.

NM_002691.4(POLD1):c.3229C>G (p.Pro1077Ala)

Gene: POLD1 (DNA polymerase delta 1, catalytic subunit; plus strand). Cytogenetic location: 19q13.33.
Variant type: single nucleotide variant.
Coding change: c.3229C>G on transcript NM_002691.4 (MANE Select); coding-DNA position 3229, C replaced by G.
Protein change: p.Pro1077Ala; replaces proline 1077 with alanine.
Molecular consequence: missense variant. On other transcripts: non-coding transcript variant (1).
Genome position (GRCh38, 1-based): chr19:50,417,852, C>G. VCF-style: chr19-50417852-C-G. GRCh37 (hg19) VCF-style: chr19-50921109-C-G.
Other names: c.3229C>G, p.Pro1077Ala (NM_001256849.1); c.3307C>G, p.Pro1103Ala (NM_001308632.1); short protein forms P1103A, P1077A.
Identifiers: ClinVar variation 967873 (VCV000967873.13), dbSNP rs1060501830, ClinGen allele CA406987694.